The following is an entry in ClinVar:

NM_004380.3(CREBBP):c.7018A>G (p.Ser2340Gly)

Gene: CREBBP (CREB binding lysine acetyltransferase; minus strand). Cytogenetic location: 16p13.3.
Variant type: single nucleotide variant.
Coding change: c.7018A>G on transcript NM_004380.3 (MANE Select); coding-DNA position 7018, A replaced by G.
Protein change: p.Ser2340Gly; replaces serine 2340 with glycine.
Molecular consequence: missense variant.
Genome position (GRCh38, 1-based): chr16:3,728,029, T>C on the plus strand (A>G on the coding strand, the complement: CREBBP is on the minus strand). VCF-style: chr16-3728029-T-C. GRCh37 (hg19) VCF-style: chr16-3778030-T-C.
Other names: c.6904A>G, p.Ser2302Gly (NM_001079846.1); short protein forms S2302G, S2340G.
Identifiers: ClinVar variation 2628999 (VCV002628999.2), dbSNP rs765037692, ClinGen allele CA7868962.

ClinVar aggregate classification (germline): Uncertain significance. Review status: criteria provided, multiple submitters, no conflicts (2 of 4 stars). 2 submissions from 2 submitters: Uncertain significance (2). Last evaluated 2024-05-23.

Conditions:
CREBBP-related disorder. Also called: CREBBP-related condition; CREBBP-related disorders.
Rubinstein-Taybi syndrome due to CREBBP mutations (RSTS1). Also called: RUBINSTEIN-TAYBI SYNDROME 1, INCOMPLETE; BROAD THUMB-HALLUX SYNDROME; Rubinstein-Taybi syndrome 1; BROAD THUMBS AND GREAT TOES, CHARACTERISTIC FACIES, AND IMPAIRED INTELLECTUAL DEVELOPMENT; RUBINSTEIN SYNDROME; CREBBP-Related Rubinstein-Taybi Syndrome. Identifiers: Orphanet 353277, Orphanet 783, MedGen C4551859, MONDO:0008393, OMIM 180849.
Menke-Hennekam syndrome 1 (MKHK1). Identifiers: MedGen C5193034, MONDO:0020763, OMIM 618332.

Allele frequency attached by ClinVar (database versions not stated): TOPMed below 0.00001; ExAC 0.00001; gnomAD 0.00001.
gnomAD v4.1: 6 of 1,611,724 alleles (0.00037%); highest among the groups gnomAD compares: African/African-American, 0.0027%; no homozygotes.

Submissions (2):

Fulgent Genetics
Classification: Uncertain significance for Rubinstein-Taybi syndrome due to CREBBP mutations; Menke-Hennekam syndrome 1. Last evaluated: 2024-05-23. Review status: criteria provided, single submitter. Criteria: ACMG Guidelines, 2015. Collection method: clinical testing. Allele origin: germline.

PreventionGenetics, part of Exact Sciences
Classification: Uncertain significance for CREBBP-related condition. Last evaluated: 2023-08-16. Review status: criteria provided, single submitter. Criteria: ACMG Guidelines, 2015. Collection method: clinical testing. Allele origin: germline.
Comment: The CREBBP c.7018A>G variant is predicted to result in the amino acid substitution p.Ser2340Gly. To our knowledge, this variant has not been reported in the literature. This variant is reported in 0.0080% of alleles in individuals of African descent in gnomAD. At this time, the clinical significance of this variant is uncertain due to the absence of conclusive functional and genetic evidence.